The following is an entry in ClinVar:

NM_053025.4(MYLK):c.4813G>A (p.Asp1605Asn)

Gene: MYLK (myosin light chain kinase; minus strand). Cytogenetic location: 3q21.1.
Variant type: single nucleotide variant.
Coding change: c.4813G>A on transcript NM_053025.4 (MANE Select); coding-DNA position 4813, G replaced by A.
Protein change: p.Asp1605Asn; replaces aspartic acid 1605 with asparagine.
Molecular consequence: missense variant.
Genome position (GRCh38, 1-based): chr3:123,640,311, C>T on the plus strand (G>A on the coding strand, the complement: MYLK is on the minus strand). VCF-style: chr3-123640311-C-T. GRCh37 (hg19) VCF-style: chr3-123359158-C-T.
Other names: c.4285G>A, p.Asp1429Asn (NM_001321309.2); c.4606G>A, p.Asp1536Asn (NM_053026.4, NM_053028.4); c.4813G>A, p.Asp1605Asn (NM_053027.4); short protein forms D1605N, D1429N, D1536N.
Identifiers: ClinVar variation 409709 (VCV000409709.9), dbSNP rs1060502536, ClinGen allele CA16611102.

ClinVar aggregate classification (germline): Uncertain significance. Review status: criteria provided, multiple submitters, no conflicts (2 of 4 stars). 2 submissions from 2 submitters: Uncertain significance (2). Last evaluated 2024-09-06.

Conditions:
Familial thoracic aortic aneurysm and aortic dissection (TAAD). Also called: Thoracic aortic aneurysms and dissections. Identifiers: Orphanet 91387, MedGen C4707243, MONDO:0019625.
Aortic aneurysm, familial thoracic 7 (AAT7). Also called: AORTIC DISSECTION, FAMILIAL, WITH OR WITHOUT AORTIC ANEURYSM. Identifiers: MedGen C3151077, MONDO:0013418, OMIM 613780.

Allele frequency attached by ClinVar (database versions not stated): gnomAD exomes below 0.00001.
gnomAD v4.1: 2 of 1,613,946 alleles (0.00012%); highest among the groups gnomAD compares: Non-Finnish European, 0.00017%; no homozygotes.

Submissions (2):

Centre of Medical Genetics, University of Antwerp
Classification: Uncertain significance for Familial thoracic aortic aneurysm and aortic dissection. Last evaluated: 2024-09-06. Review status: criteria provided, single submitter. Criteria: ACMG Guidelines, 2015. Collection method: clinical testing. Allele origin: germline. Affected: yes.

Labcorp Genetics (formerly Invitae), Labcorp
Classification: Uncertain significance for Aortic aneurysm, familial thoracic 7. Last evaluated: 2023-10-29. Review status: criteria provided, single submitter. Criteria: Invitae Variant Classification Sherloc (09022015). Collection method: clinical testing. Allele origin: germline.
Comment: This sequence change replaces aspartic acid, which is acidic and polar, with asparagine, which is neutral and polar, at codon 1605 of the MYLK protein (p.Asp1605Asn). This variant is not present in population databases (gnomAD no frequency). This variant has not been reported in the literature in individuals affected with MYLK-related conditions. ClinVar contains an entry for this variant (Variation ID: 409709). Advanced modeling of protein sequence and biophysical properties (such as structural, functional, and spatial information, amino acid conservation, physicochemical variation, residue mobility, and thermodynamic stability) has been performed at Invitae for this missense variant, however the output from this modeling did not meet the statistical confidence thresholds required to predict the impact of this variant on MYLK protein function. In summary, the available evidence is currently insufficient to determine the role of this variant in disease. Therefore, it has been classified as a Variant of Uncertain Significance.